The following is an entry in ClinVar:

NM_032802.4(SPPL2A):c.355G>T (p.Val119Phe)

Gene: SPPL2A (signal peptide peptidase like 2A; minus strand). Cytogenetic location: 15q21.2.
Variant type: single nucleotide variant.
Coding change: c.355G>T on transcript NM_032802.4 (MANE Select); coding-DNA position 355, G replaced by T.
Protein change: p.Val119Phe; replaces valine 119 with phenylalanine.
Molecular consequence: missense variant.
Genome position (GRCh38, 1-based): chr15:50,748,693, C>A on the plus strand (G>T on the coding strand, the complement: SPPL2A is on the minus strand). VCF-style: chr15-50748693-C-A. GRCh37 (hg19) VCF-style: chr15-51040890-C-A.
Other names: short protein forms V119F.
Identifiers: ClinVar variation 2871514 (VCV002871514.3), dbSNP rs575721916, ClinGen allele CA7558532.

ClinVar aggregate classification (germline): Uncertain significance (1 of 4 stars; one submission).

gnomAD v4.1: 3 of 1,580,036 alleles (0.00019%); highest among the groups gnomAD compares: Non-Finnish European, 0.00026%; no homozygotes.

Submission:

Labcorp Genetics (formerly Invitae), Labcorp
Classification: Uncertain significance. Last evaluated: 2023-11-17. Review status: criteria provided, single submitter. Criteria: Invitae Variant Classification Sherloc (09022015). Collection method: clinical testing. Allele origin: germline.
Comment: This sequence change replaces valine, which is neutral and non-polar, with phenylalanine, which is neutral and non-polar, at codon 119 of the SPPL2A protein (p.Val119Phe). The frequency data for this variant in the population databases is considered unreliable, as metrics indicate poor data quality at this position in the gnomAD database. This variant has not been reported in the literature in individuals affected with SPPL2A-related conditions. An algorithm developed to predict the effect of missense changes on protein structure and function (PolyPhen-2) suggests that this variant is likely to be tolerated. In summary, the available evidence is currently insufficient to determine the role of this variant in disease. Therefore, it has been classified as a Variant of Uncertain Significance.